The following is an entry in ClinVar:

ClinVar aggregate classification (germline): Uncertain significance. Review status: criteria provided, multiple submitters, no conflicts (2 of 4 stars). 2 submissions from 2 submitters: Uncertain significance (2). Last evaluated 2025-08-22.

Conditions:
Inborn genetic diseases. Identifiers: MedGen C0950123, MeSH D030342.

Submissions (2):

Ambry Genetics
Classification: Uncertain significance for Inborn genetic diseases. Last evaluated: 2025-08-22. Review status: criteria provided, single submitter. Criteria: Ambry Variant Classification Scheme 2023. Collection method: clinical testing. Allele origin: germline.

Labcorp Genetics (formerly Invitae), Labcorp
Classification: Uncertain significance. Last evaluated: 2025-06-15. Review status: criteria provided, single submitter. Criteria: Invitae Variant Classification Sherloc (09022015). Collection method: clinical testing. Allele origin: germline.
Comment: This sequence change replaces arginine, which is basic and polar, with glutamine, which is neutral and polar, at codon 230 of the TRPV6 protein (p.Arg230Gln). This variant is present in population databases (rs145021724, gnomAD 0.02%). This variant has not been reported in the literature in individuals affected with TRPV6-related conditions. Invitae Evidence Modeling of protein sequence and biophysical properties (such as structural, functional, and spatial information, amino acid conservation, physicochemical variation, residue mobility, and thermodynamic stability) indicates that this missense variant is expected to disrupt TRPV6 protein function with a positive predictive value of 95%. In summary, the available evidence is currently insufficient to determine the role of this variant in disease. Therefore, it has been classified as a Variant of Uncertain Significance.

NM_018646.6(TRPV6):c.689G>A (p.Arg230Gln)

Gene: TRPV6 (transient receptor potential cation channel subfamily V member 6; minus strand). Cytogenetic location: 7q34.
Variant type: single nucleotide variant.
Coding change: c.689G>A on transcript NM_018646.6 (MANE Select); coding-DNA position 689, G replaced by A.
Protein change: p.Arg230Gln; replaces arginine 230 with glutamine.
Molecular consequence: missense variant.
Genome position (GRCh38, 1-based): chr7:142,876,756, C>T on the plus strand (G>A on the coding strand, the complement: TRPV6 is on the minus strand). VCF-style: chr7-142876756-C-T. GRCh37 (hg19) VCF-style: chr7-142574509-C-T.
Other names: short protein forms R230Q.
Identifiers: ClinVar variation 4191982 (VCV004191982.2).
Genomic context (GRCh38, chr7:142,876,756, plus strand): 5'-CTCCCTGCAGCATCCCAGCTCCCCTCCCCATCTCAGCTCTTACCCAGGGAGTCCTGGGCC[C>T]GGATGTCAGCTCCATGCTCAATGAGCAGCCGCACGATCTCCTCACTGTTCACACAGGCAG-3'
Protein context (NP_061116.5, residues 220-240): RLLIEHGADI[Arg230Gln]AQDSLGNTVL